The following is an entry in ClinVar:

NM_000170.3(GLDC):c.358C>G (p.Leu120Val)

Gene: GLDC (glycine decarboxylase; minus strand). Cytogenetic location: 9p24.1.
Variant type: single nucleotide variant.
Coding change: c.358C>G on transcript NM_000170.3 (MANE Select); coding-DNA position 358, C replaced by G.
Protein change: p.Leu120Val; replaces leucine 120 with valine.
Molecular consequence: missense variant.
Genome position (GRCh38, 1-based): chr9:6,620,296, G>C on the plus strand (C>G on the coding strand, the complement: GLDC is on the minus strand). VCF-style: chr9-6620296-G-C. GRCh37 (hg19) VCF-style: chr9-6620296-G-C.
Other names: short protein forms L120V.
Identifiers: ClinVar variation 1386039 (VCV001386039.5), dbSNP rs758562313, ClinGen allele CA4981173.

ClinVar aggregate classification (germline): Uncertain significance (1 of 4 stars; one submission).

Conditions:
Glycine encephalopathy. Also called: Nonketotic hyperglycinemia; Non-ketotic hyperglycinemia. Identifiers: Orphanet 407, MedGen C0751748, MONDO:0011612, HP:0008288.

Allele frequency attached by ClinVar (database versions not stated): TOPMed below 0.00001; ExAC 0.00001.
gnomAD v4.1: 10 of 1,613,542 alleles (0.00062%); highest among the groups gnomAD compares: Non-Finnish European, 0.00076%; no homozygotes.

Submission:

Labcorp Genetics (formerly Invitae), Labcorp
Classification: Uncertain significance for Glycine encephalopathy. Last evaluated: 2022-09-27. Review status: criteria provided, single submitter. Criteria: Invitae Variant Classification Sherloc (09022015). Collection method: clinical testing. Allele origin: germline.
Comment: This sequence change replaces leucine, which is neutral and non-polar, with valine, which is neutral and non-polar, at codon 120 of the GLDC protein (p.Leu120Val). This variant is present in population databases (rs758562313, gnomAD 0.0009%). This variant has not been reported in the literature in individuals affected with GLDC-related conditions. ClinVar contains an entry for this variant (Variation ID: 1386039). Advanced modeling of protein sequence and biophysical properties (such as structural, functional, and spatial information, amino acid conservation, physicochemical variation, residue mobility, and thermodynamic stability) performed at Invitae indicates that this missense variant is not expected to disrupt GLDC protein function. In summary, the available evidence is currently insufficient to determine the role of this variant in disease. Therefore, it has been classified as a Variant of Uncertain Significance.